The following is an entry in ClinVar:

NM_198253.3(TERT):c.2516C>A (p.Thr839Lys)

Gene: TERT (telomerase reverse transcriptase; minus strand). Cytogenetic location: 5p15.33.
Variant type: single nucleotide variant.
Coding change: c.2516C>A on transcript NM_198253.3 (MANE Select); coding-DNA position 2516, C replaced by A.
Protein change: p.Thr839Lys; replaces threonine 839 with lysine.
Molecular consequence: missense variant. On other transcripts: non-coding transcript variant (2).
Genome position (GRCh38, 1-based): chr5:1,268,586, G>T on the plus strand (C>A on the coding strand, the complement: TERT is on the minus strand). VCF-style: chr5-1268586-G-T. GRCh37 (hg19) VCF-style: chr5-1268701-G-T.
Other names: c.2516C>A, p.Thr839Lys (NM_001193376.3); short protein forms T839K.
Identifiers: ClinVar variation 4783694 (VCV004783694.1).

ClinVar aggregate classification (germline): Uncertain significance (1 of 4 stars; one submission).

Conditions:
Dyskeratosis congenita, autosomal dominant 2. Identifiers: MedGen C3151443, MONDO:0013521, OMIM 613989.
Idiopathic Pulmonary Fibrosis. Also called: Idiopathic fibrosing alveolitis, chronic form; idiopathic fibrosing alveolitis. Identifiers: Orphanet 2032, MedGen C1800706, MeSH D054990, MONDO:0800504.

Submission:

Labcorp Genetics (formerly Invitae), Labcorp
Classification: Uncertain significance for Dyskeratosis congenita, autosomal dominant 2; Idiopathic Pulmonary Fibrosis. Last evaluated: 2025-05-09. Review status: criteria provided, single submitter. Criteria: Invitae Variant Classification Sherloc (09022015). Collection method: clinical testing. Allele origin: germline.
Comment: This sequence change replaces threonine, which is neutral and polar, with lysine, which is basic and polar, at codon 839 of the TERT protein (p.Thr839Lys). This variant is not present in population databases (gnomAD no frequency). This variant has not been reported in the literature in individuals affected with TERT-related conditions. Invitae Evidence Modeling of protein sequence and biophysical properties (such as structural, functional, and spatial information, amino acid conservation, physicochemical variation, residue mobility, and thermodynamic stability) indicates that this missense variant is expected to disrupt TERT protein function with a positive predictive value of 95%. In summary, the available evidence is currently insufficient to determine the role of this variant in disease. Therefore, it has been classified as a Variant of Uncertain Significance.